The following is an entry in ClinVar:

NC_000004.11:g.(?_501174)_(533158_?)del

Gene: PIGG (phosphatidylinositol glycan anchor biosynthesis class G (EMM blood group); plus strand). Cytogenetic location: 4p16.3.
Variant type: Deletion.
Identifiers: ClinVar variation 2423742 (VCV002423742.6).

ClinVar aggregate classification (germline): Pathogenic (1 of 4 stars; one submission).

Conditions:
Intellectual disability, autosomal recessive 53 (NEDHSCA). Also called: GLYCOSYLPHOSPHATIDYLINOSITOL BIOSYNTHESIS DEFECT 13; Mental retardation, autosomal recessive 53; NEURODEVELOPMENTAL DISORDER WITH OR WITHOUT HYPOTONIA, SEIZURES, AND CEREBELLAR ATROPHY. Identifiers: Orphanet 488635, MedGen C4310794, MONDO:0014832, OMIM 616917.

Submission:

Labcorp Genetics (formerly Invitae), Labcorp
Classification: Pathogenic for Intellectual disability, autosomal recessive 53. Last evaluated: 2022-09-03. Review status: criteria provided, single submitter. Criteria: Invitae Variant Classification Sherloc (09022015). Collection method: clinical testing. Allele origin: germline.
Comment: This variant is a gross deletion of the genomic region encompassing exon(s) 4-13 of the PIGG gene, which includes the termination codon. This deletion extends beyond the assayed region for this gene and therefore may encompass additional genes. While this deletion is not anticipated to lead to nonsense mediated decay, it is expected to alter mRNA translation or result in a truncated protein product. This variant has not been reported in the literature in individuals affected with PIGG-related conditions. For these reasons, this variant has been classified as Pathogenic. This variant disrupts a region of the PIGG protein in which other variant(s) (p.Gln851Pro) have been determined to be pathogenic (PMID: 34113002). This suggests that this is a clinically significant region of the protein, and that variants that disrupt it are likely to be disease-causing.

Literature cited by the submitters: PubMed 34113002.